The following is an entry in ClinVar:

NM_001291415.2(KDM6A):c.3172C>T (p.Gln1058Ter)

Gene: KDM6A (lysine demethylase 6A; plus strand). Cytogenetic location: Xp11.3.
Variant type: single nucleotide variant.
Coding change: c.3172C>T on transcript NM_001291415.2 (MANE Select); coding-DNA position 3172, C replaced by T.
Protein change: p.Gln1058Ter; replaces glutamine 1058 with a stop codon.
Molecular consequence: nonsense. On other transcripts: non-coding transcript variant (1).
Genome position (GRCh38, 1-based): chrX:45,079,223, C>T. VCF-style: chrX-45079223-C-T. GRCh37 (hg19) VCF-style: chrX-44938468-C-T.
Other names: c.3037C>T, p.Gln1013Ter (NM_001291416.2); c.2881C>T, p.Gln961Ter (NM_001291417.2); c.2779C>T, p.Gln927Ter (NM_001291418.2); c.2128C>T, p.Gln710Ter (NM_001291421.2); c.3016C>T, p.Gln1006Ter (NM_021140.4); short protein forms Q1058*, Q1006*, Q961*, Q927*, Q1013*, Q710*.
Identifiers: ClinVar variation 471948 (VCV000471948.3), dbSNP rs1556341546, ClinGen allele CA412801240.

ClinVar aggregate classification (germline): Pathogenic. Review status: criteria provided, multiple submitters, no conflicts (2 of 4 stars). 2 submissions from 2 submitters: Pathogenic (2). Last evaluated 2017-02-01.

Conditions:
Kabuki syndrome 2 (KABUK2). Also called: KDM6A-Related Kabuki Syndrome. Identifiers: Orphanet 2322, MedGen C3275495, MONDO:0010465, OMIM 300867.

Submissions (2):

Labcorp Genetics (formerly Invitae), Labcorp
Classification: Pathogenic for Kabuki syndrome 2. Last evaluated: 2017-02-01. Review status: criteria provided, single submitter. Criteria: Invitae Variant Classification Sherloc (09022015). Collection method: clinical testing. Allele origin: germline.
Comment: This sequence change creates a premature translational stop signal at codon 1006 (p.Gln1006*) of the KDM6A gene. It is expected to result in an absent or disrupted protein product. While this particular variant has not been reported in the literature, loss-of-function variants in KDM6A are known to be pathogenic (PMID: 27302555). For these reasons, this variant has been classified as Pathogenic.

Rady Children's Institute for Genomic Medicine, Rady Children's Hospital San Diego
Classification: Pathogenic for KABUKI SYNDROME 2. Review status: criteria provided, single submitter. Criteria: ACMG Guidelines, 2015. Collection method: clinical testing. Allele origin: germline. Affected: yes.
Comment: This nonsense variant found in exon 20 of 29 is predicted to result in loss of normal protein function through either protein truncation or nonsense-mediated mRNA decay (NMD). This variant has not been previously reported or functionally characterized in the literature to our knowledge. The c.3016C>T (p.Gln1006Ter) variant is absent from the gnomAD population database and thus is presumed to be rare. Analysis of the maternal sample was negative for the variant, indicating this variant likely occurred as a de novo event. Based on the available evidence, the c.3016C>T (p.Gln1006Ter) variant is classified as Pathogenic.

Literature cited by the submitters: PubMed 27302555 (cited by Labcorp Genetics (formerly Invitae), Labcorp).